The following is an entry in ClinVar:

NM_002354.3(EPCAM):c.853G>A (p.Val285Met)

Gene: EPCAM (epithelial cell adhesion molecule; plus strand). Cytogenetic location: 2p21.
Variant type: single nucleotide variant.
Coding change: c.853G>A on transcript NM_002354.3 (MANE Select); coding-DNA position 853, G replaced by A.
Protein change: p.Val285Met; replaces valine 285 with methionine.
Molecular consequence: missense variant.
Genome position (GRCh38, 1-based): chr2:47,379,964, G>A. VCF-style: chr2-47379964-G-A. GRCh37 (hg19) VCF-style: chr2-47607103-G-A.
Other names: short protein forms V285M.
Identifiers: ClinVar variation 3509162 (VCV003509162.1).

ClinVar aggregate classification (germline): Uncertain significance (1 of 4 stars; one submission).

Conditions:
Hereditary cancer-predisposing syndrome. Also called: Tumor predisposition; Neoplastic Syndromes, Hereditary; Hereditary Cancer Syndrome; Hereditary neoplastic syndrome. Identifiers: Orphanet 140162, MedGen C0027672, MeSH D009386, MONDO:0015356.

Submission:

Ambry Genetics
Classification: Uncertain significance for Hereditary cancer-predisposing syndrome. Last evaluated: 2024-10-23. Review status: criteria provided, single submitter. Criteria: Ambry Variant Classification Scheme 2023. Collection method: clinical testing. Allele origin: germline.
Comment: The p.V285M variant (also known as c.853G>A), located in coding exon 7 of the EPCAM gene, results from a G to A substitution at nucleotide position 853. The valine at codon 285 is replaced by methionine, an amino acid with highly similar properties. This amino acid position is conserved. In addition, this alteration is predicted to be deleterious by in silico analysis. Based on the available evidence, the clinical significance of this variant remains unclear.